The following is an entry in ClinVar:

ClinVar aggregate classification (germline): Uncertain significance. Review status: criteria provided, multiple submitters, no conflicts (2 of 4 stars). 4 submissions from 4 submitters: Uncertain significance (3). 1 of the submissions does not count toward it. Last evaluated 2025-04-11.

Conditions:
Inborn genetic diseases. Identifiers: MedGen C0950123, MeSH D030342.
Retinitis pigmentosa 28 (RP28). Identifiers: Orphanet 791, MedGen C1419614, MONDO:0011630, OMIM 606068.

Allele frequency attached by ClinVar (database versions not stated): gnomAD 0.00001; gnomAD exomes 0.00001; ExAC 0.00002; TOPMed 0.00003; ESP Exome Variant Server 0.00010.
gnomAD v4.1: 87 of 1,613,758 alleles (0.0054%); highest among the groups gnomAD compares: Non-Finnish European, 0.007%; no homozygotes.

Submissions (4):

Ambry Genetics
Classification: Uncertain significance for Inborn genetic diseases. Last evaluated: 2025-04-11. Review status: criteria provided, single submitter. Criteria: Ambry Variant Classification Scheme 2023. Collection method: clinical testing. Allele origin: germline.

Blueprint Genetics
Classification: Uncertain significance. Last evaluated: 2024-10-04. Review status: criteria provided, single submitter. Criteria: ACMG Guidelines, 2015. Collection method: clinical testing. Allele origin: germline.

Labcorp Genetics (formerly Invitae), Labcorp
Classification: Uncertain significance. Last evaluated: 2022-03-19. Review status: criteria provided, single submitter. Criteria: Invitae Variant Classification Sherloc (09022015). Collection method: clinical testing. Allele origin: germline.
Comment: This sequence change replaces serine, which is neutral and polar, with leucine, which is neutral and non-polar, at codon 61 of the FAM161A protein (p.Ser61Leu). This variant is present in population databases (rs374779101, gnomAD 0.004%). This variant has not been reported in the literature in individuals affected with FAM161A-related conditions. ClinVar contains an entry for this variant (Variation ID: 854864). Algorithms developed to predict the effect of missense changes on protein structure and function output the following: SIFT: "Deleterious"; PolyPhen-2: "Benign"; Align-GVGD: "Class C0". The leucine amino acid residue is found in multiple mammalian species, which suggests that this missense change does not adversely affect protein function. Algorithms developed to predict the effect of sequence changes on RNA splicing suggest that this variant may disrupt the consensus splice site. In summary, the available evidence is currently insufficient to determine the role of this variant in disease. Therefore, it has been classified as a Variant of Uncertain Significance.

Natera, Inc.
Classification: Uncertain significance for Retinitis pigmentosa type 28. Last evaluated: 2020-03-17. Review status: no assertion criteria provided. Collection method: clinical testing. Allele origin: germline. Not counted in ClinVar's aggregate classification.

NM_001201543.2(FAM161A):c.182C>T (p.Ser61Leu)

Genes: FAM161A (FAM161 centrosomal protein A; minus strand), LOC129933843 (ATAC-STARR-seq lymphoblastoid active region 15839; plus strand). Cytogenetic location: 2p15.
Variant type: single nucleotide variant.
Coding change: c.182C>T on transcript NM_001201543.2 (MANE Select); coding-DNA position 182, C replaced by T.
Protein change: p.Ser61Leu; replaces serine 61 with leucine.
Molecular consequence: missense variant. On other transcripts: non-coding transcript variant (1).
Genome position (GRCh38, 1-based): chr2:61,853,860, G>A on the plus strand (C>T on the coding strand, the complement: FAM161A is on the minus strand). VCF-style: chr2-61853860-G-A. GRCh37 (hg19) VCF-style: chr2-62080995-G-A.
Other names: c.182C>T, p.Ser61Leu (NM_032180.3); short protein forms S61L.
Identifiers: ClinVar variation 854864 (VCV000854864.6), dbSNP rs374779101, ClinGen allele CA1679430.
Genomic context (GRCh38, chr2:61,853,860, plus strand): 5'-GCCCTCAGCCTGCACCCAGCCCATGCGAGGTCCCAGCCCAAGTCCCGCCCCAGTATTACC[G>A]ATGCCCCAGCGGGCTGAGCCACTTTCTCCTCCTCTTCGTCCTCCAAGATCGCCTCCGCTG-3'
Protein context (NP_001188472.1, residues 51-71): EEKVAQPAGA[Ser61Leu]ADLNTSFSGV